The following is an entry in ClinVar:

ClinVar aggregate classification (germline): Likely benign (0 of 4 stars; one submission).

Conditions:
SHBG-related disorder. Also called: SHBG-related condition.

Allele frequency attached by ClinVar (database versions not stated): TOPMed below 0.00001; ExAC 0.00006.
gnomAD v4.1: 3 of 1,539,694 alleles (0.00019%); highest among the groups gnomAD compares: Non-Finnish European, 0.00026%; no homozygotes.

Submission:

PreventionGenetics, part of Exact Sciences
Classification: Likely benign for SHBG-related condition. Last evaluated: 2019-02-20. Review status: no assertion criteria provided. Collection method: clinical testing. Allele origin: germline.
Comment: This variant is classified as likely benign based on ACMG/AMP sequence variant interpretation guidelines (Richards et al. 2015 PMID: 25741868, with internal and published modifications).

NM_001040.5(SHBG):c.394-10C>G

Gene: SHBG (sex hormone binding globulin; plus strand). Cytogenetic location: 17p13.1.
Variant type: single nucleotide variant.
Coding change: c.394-10C>G on transcript NM_001040.5 (MANE Select); 10 bases into the intron before coding-DNA position 394, C replaced by G.
Molecular consequence: intron variant.
Genome position (GRCh38, 1-based): chr17:7,631,190, C>G. VCF-style: chr17-7631190-C-G. GRCh37 (hg19) VCF-style: chr17-7534508-C-G.
Other names: c.220-10C>G (NM_001289114.2, NM_001289113.2, NM_001289115.2); c.394-10C>G (NM_001146280.3, NM_001146281.3, NM_001146279.3); c.100-64C>G (NM_001289116.2).
Identifiers: ClinVar variation 3046401 (VCV003046401.2), dbSNP rs758365968, ClinGen allele CA8354257.